The following is an entry in ClinVar:

ClinVar aggregate classification (germline): Likely benign. Review status: criteria provided, multiple submitters, no conflicts (2 of 4 stars). 5 submissions from 5 submitters: Likely benign (5). Last evaluated 2025-08-18.

Conditions:
Hereditary nonpolyposis colorectal neoplasms. Identifiers: MedGen C0009405, MeSH D003123.
Hereditary cancer-predisposing syndrome. Also called: Tumor predisposition; Hereditary Cancer Syndrome; Neoplastic Syndromes, Hereditary; Hereditary neoplastic syndrome. Identifiers: Orphanet 140162, MedGen C0027672, MeSH D009386, MONDO:0015356.
Lynch syndrome 5 (LYNCH5). Also called: Colorectal cancer, hereditary nonpolyposis, type 5; Hereditary non-polyposis colorectal cancer, type 5. Identifiers: Orphanet 144, MedGen C1833477, MONDO:0013710, OMIM 614350. Disease mechanism: loss of function.

Allele frequency attached by ClinVar (database versions not stated): gnomAD exomes below 0.00001 and 0.00001; gnomAD 0.00001.
gnomAD v4.1: 9 of 1,613,748 alleles (0.00056%); highest among the groups gnomAD compares: East Asian, 0.0022%; no homozygotes.

Submissions (5):

Labcorp Genetics (formerly Invitae), Labcorp
Classification: Likely benign for Hereditary nonpolyposis colorectal neoplasms. Last evaluated: 2025-08-18. Review status: criteria provided, single submitter. Criteria: Invitae Variant Classification Sherloc (09022015). Collection method: clinical testing. Allele origin: germline.

Quest Diagnostics Nichols Institute San Juan Capistrano
Classification: Likely benign. Last evaluated: 2025-04-24. Review status: criteria provided, single submitter. Criteria: Quest Diagnostics criteria. Collection method: clinical testing. Allele origin: unknown.

Myriad Genetics, Inc.
Classification: Likely benign for Lynch syndrome 5. Last evaluated: 2024-12-19. Review status: criteria provided, single submitter. Criteria: Myriad Autosomal Dominant, Autosomal Recessive and X-Linked Classification Criteria (2023). Collection method: clinical testing. Allele origin: unknown.
Comment: This variant is considered likely benign. This variant is intronic and is not expected to impact mRNA splicing.

Blueprint Genetics
Classification: Likely benign. Last evaluated: 2022-11-24. Review status: criteria provided, single submitter. Criteria: ACMG Guidelines, 2015. Collection method: clinical testing. Allele origin: germline.

Color Diagnostics, LLC DBA Color Health
Classification: Likely benign for Hereditary cancer-predisposing syndrome. Last evaluated: 2017-03-20. Review status: criteria provided, single submitter. Criteria: ACMG Guidelines, 2015. Collection method: clinical testing. Allele origin: germline.

NM_000179.3(MSH6):c.627+10G>A

Gene: MSH6 (mutS homolog 6; plus strand). Cytogenetic location: 2p16.3.
Variant type: single nucleotide variant.
Coding change: c.627+10G>A on transcript NM_000179.3 (MANE Select); 10 bases into the intron after coding-DNA position 627, G replaced by A.
Molecular consequence: intron variant.
Genome position (GRCh38, 1-based): chr2:47,796,073, G>A. VCF-style: chr2-47796073-G-A. GRCh37 (hg19) VCF-style: chr2-48023212-G-A.
Other names: c.-279-2538G>A (NM_001281493.2); c.238-2538G>A (NM_001281492.2); c.-276+10G>A (NM_001281494.2).
Identifiers: ClinVar variation 491979 (VCV000491979.17), dbSNP rs1346594345, ClinGen allele CA532705756.